The following is an entry in ClinVar:

ClinVar aggregate classification (germline): Uncertain significance (1 of 4 stars; one submission).

Allele frequency attached by ClinVar (database versions not stated): gnomAD exomes below 0.00001; TOPMed below 0.00001; gnomAD 0.00001.
gnomAD v4.1: 8 of 1,613,970 alleles (0.0005%); highest among the groups gnomAD compares: Non-Finnish European, 0.00042%; no homozygotes.

Submission:

Labcorp Genetics (formerly Invitae), Labcorp
Classification: Uncertain significance. Last evaluated: 2021-10-03. Review status: criteria provided, single submitter. Criteria: Invitae Variant Classification Sherloc (09022015). Collection method: clinical testing. Allele origin: germline.
Comment: In summary, the available evidence is currently insufficient to determine the role of this variant in disease. Therefore, it has been classified as a Variant of Uncertain Significance. Algorithms developed to predict the effect of missense changes on protein structure and function are either unavailable or do not agree on the potential impact of this missense change (SIFT: "Deleterious"; PolyPhen-2: "Probably Damaging"; Align-GVGD: "Class C0"). This variant has not been reported in the literature in individuals affected with GSN-related conditions. This variant is not present in population databases (ExAC no frequency). This sequence change replaces alanine with serine at codon 240 of the GSN protein (p.Ala240Ser). The alanine residue is highly conserved and there is a moderate physicochemical difference between alanine and serine.

NM_198252.3(GSN):c.565G>T (p.Ala189Ser)

Gene: GSN (gelsolin; plus strand). Cytogenetic location: 9q33.2.
Variant type: single nucleotide variant.
Coding change: c.565G>T on transcript NM_198252.3 (MANE Select); coding-DNA position 565, G replaced by T.
Protein change: p.Ala189Ser; replaces alanine 189 with serine.
Molecular consequence: missense variant. On other transcripts: 5 prime UTR variant (1).
Genome position (GRCh38, 1-based): chr9:121,312,390, G>T. VCF-style: chr9-121312390-G-T. GRCh37 (hg19) VCF-style: chr9-124074668-G-T.
Other names: c.565G>T, p.Ala189Ser (NM_001353058.2, NM_001353059.2, NM_001353060.2 and 10 more transcripts); c.598G>T, p.Ala200Ser (NM_001353063.2, NM_001353064.2, NM_001353065.2 and 13 more transcripts); c.-90G>T (NM_001353078.2); c.718G>T, p.Ala240Ser (NM_000177.5); c.673G>T, p.Ala225Ser (NM_001127663.2); c.616G>T, p.Ala206Ser (NM_001258029.2); c.589G>T, p.Ala197Ser (NM_001258030.2); c.637G>T, p.Ala213Ser (NM_001353076.2); short protein forms A197S, A213S, A225S, A200S, A206S, A240S, A189S.
Identifiers: ClinVar variation 1384053 (VCV001384053.6), dbSNP rs1416138918, ClinGen allele CA374740667.